The following is an entry in ClinVar:

ClinVar aggregate classification (germline): Uncertain significance. Review status: criteria provided, multiple submitters, no conflicts (2 of 4 stars). 4 submissions from 4 submitters: Uncertain significance (4). Last evaluated 2025-12-21.

Conditions:
Prostate cancer, hereditary, 9 (HPC9). Identifiers: Orphanet 1331, MedGen C1970250, MONDO:0012597, OMIM 610997.
Hereditary cancer-predisposing syndrome. Also called: Neoplastic Syndromes, Hereditary; Tumor predisposition; Hereditary Cancer Syndrome; Hereditary neoplastic syndrome. Identifiers: Orphanet 140162, MedGen C0027672, MeSH D009386, MONDO:0015356.

Allele frequency attached by ClinVar (database versions not stated): gnomAD exomes 0.00001.
gnomAD v4.1: 9 of 1,614,184 alleles (0.00056%); highest among the groups gnomAD compares: Non-Finnish European, 0.00076%; no homozygotes.

Submissions (4):

Labcorp Genetics (formerly Invitae), Labcorp
Classification: Uncertain significance. Last evaluated: 2025-12-21. Review status: criteria provided, single submitter. Criteria: Invitae Variant Classification Sherloc (09022015). Collection method: clinical testing. Allele origin: germline.
Comment: This sequence change replaces glycine, which is neutral and non-polar, with cysteine, which is neutral and slightly polar, at codon 153 of the HOXB13 protein (p.Gly153Cys). This variant is not present in population databases (gnomAD no frequency). This variant has not been reported in the literature in individuals affected with HOXB13-related conditions. ClinVar contains an entry for this variant (Variation ID: 1001052). Invitae Evidence Modeling of protein sequence and biophysical properties (such as structural, functional, and spatial information, amino acid conservation, physicochemical variation, residue mobility, and thermodynamic stability) indicates that this missense variant is not expected to disrupt HOXB13 protein function with a negative predictive value of 80%. In summary, the available evidence is currently insufficient to determine the role of this variant in disease. Therefore, it has been classified as a Variant of Uncertain Significance.

Ambry Genetics
Classification: Uncertain significance for Hereditary cancer-predisposing syndrome. Last evaluated: 2023-08-13. Review status: criteria provided, single submitter. Criteria: Ambry Variant Classification Scheme 2023. Collection method: clinical testing. Allele origin: germline.
Comment: The p.G153C variant (also known as c.457G>T), located in coding exon 1 of the HOXB13 gene, results from a G to T substitution at nucleotide position 457. The glycine at codon 153 is replaced by cysteine, an amino acid with highly dissimilar properties. This amino acid position is well conserved in available vertebrate species. In addition, this alteration is predicted to be deleterious by in silico analysis. Since supporting evidence is limited at this time, the clinical significance of this alteration remains unclear.

Department of Pathology and Laboratory Medicine, Sinai Health System
Classification: Uncertain significance for Prostate cancer, hereditary, 9. Last evaluated: 2023-04-12. Review status: criteria provided, single submitter. Criteria: ACMG Guidelines, 2015. Collection method: clinical testing. Allele origin: germline. Affected: yes.

GeneDx
Classification: Uncertain significance. Last evaluated: 2019-07-11. Review status: criteria provided, single submitter. Criteria: GeneDx Variant Classification Process June 2021. Collection method: clinical testing. Allele origin: germline. Affected: yes.
Comment: Not observed in large population cohorts (Lek et al., 2016); In silico analysis, which includes protein predictors and evolutionary conservation, supports a deleterious effect; Has not been previously published as pathogenic or benign to our knowledge

NM_006361.6(HOXB13):c.457G>T (p.Gly153Cys)

Gene: HOXB13 (homeobox B13; minus strand). Cytogenetic location: 17q21.32.
Variant type: single nucleotide variant.
Coding change: c.457G>T on transcript NM_006361.6 (MANE Select); coding-DNA position 457, G replaced by T.
Protein change: p.Gly153Cys; replaces glycine 153 with cysteine.
Molecular consequence: missense variant.
Genome position (GRCh38, 1-based): chr17:48,728,137, C>A on the plus strand (G>T on the coding strand, the complement: HOXB13 is on the minus strand). VCF-style: chr17-48728137-C-A. GRCh37 (hg19) VCF-style: chr17-46805499-C-A.
Other names: short protein forms G153C.
Identifiers: ClinVar variation 1001052 (VCV001001052.11), dbSNP rs754280897, ClinGen allele CA400107414.